The following is an entry in ClinVar:

NM_015294.6(TRIM37):c.1829del (p.Ser610fs)

Gene: TRIM37 (tripartite motif containing 37; minus strand). Cytogenetic location: 17q22.
Variant type: Deletion.
Coding change: c.1829del on transcript NM_015294.6 (MANE Select); coding-DNA position 1829, one base deleted (G; older notation c.1829delG).
Protein change: p.Ser610fs; shifts the reading frame from serine 610.
Molecular consequence: frameshift variant. On other transcripts: non-coding transcript variant (2).
Genome position (GRCh38, 1-based): chr17:59,032,015, C deleted on the plus strand (G on the coding strand, the reverse complement: TRIM37 is on the minus strand). VCF-style (leftmost placement, unchanged base first): chr17-59032014-AC-A. GRCh37 (hg19) VCF-style: chr17-57109375-AC-A.
Other names: c.1829del, p.Ser610fs (NM_001005207.5, NM_001320988.3, NM_001320989.3 and 1 more transcripts); c.1727del, p.Ser576fs (NM_001320987.3, NM_001353082.2); c.1463del, p.Ser488fs (NM_001320990.3); c.1094del, p.Ser365fs (NM_001353083.2); c.1367del, p.Ser456fs (NM_001353085.2); c.1778del, p.Ser593fs (NM_001353086.2); short protein forms S576fs, S593fs, S456fs, S488fs, S365fs, S610fs.
Identifiers: ClinVar variation 2114437 (VCV002114437.4), dbSNP rs2545282121, ClinGen allele CA2580094326.

ClinVar aggregate classification (germline): Pathogenic (1 of 4 stars; one submission).

Submission:

Labcorp Genetics (formerly Invitae), Labcorp
Classification: Pathogenic. Last evaluated: 2022-03-19. Review status: criteria provided, single submitter. Criteria: Invitae Variant Classification Sherloc (09022015). Collection method: clinical testing. Allele origin: germline.
Comment: This variant has not been reported in the literature in individuals affected with TRIM37-related conditions. For these reasons, this variant has been classified as Pathogenic. This variant is not present in population databases (gnomAD no frequency). This sequence change creates a premature translational stop signal (p.Ser610Ilefs*3) in the TRIM37 gene. It is expected to result in an absent or disrupted protein product. Loss-of-function variants in TRIM37 are known to be pathogenic (PMID: 10888877, 15108285).

Literature cited by the submitters: PubMed 10888877; PubMed 15108285.